The following is an entry in ClinVar:

NM_004655.4(AXIN2):c.203G>C (p.Arg68Pro)

Gene: AXIN2 (axin 2; minus strand). Cytogenetic location: 17q24.1.
Variant type: single nucleotide variant.
Coding change: c.203G>C on transcript NM_004655.4 (MANE Select); coding-DNA position 203, G replaced by C.
Protein change: p.Arg68Pro; replaces arginine 68 with proline.
Molecular consequence: missense variant.
Genome position (GRCh38, 1-based): chr17:65,558,418, C>G on the plus strand (G>C on the coding strand, the complement: AXIN2 is on the minus strand). VCF-style: chr17-65558418-C-G. GRCh37 (hg19) VCF-style: chr17-63554536-C-G.
Other names: c.203G>C, p.Arg68Pro (NM_001363813.1); short protein forms R68P.
Identifiers: ClinVar variation 5032563 (VCV005032563.1).

ClinVar aggregate classification (germline): Uncertain significance (1 of 4 stars; one submission).

Conditions:
Hereditary cancer-predisposing syndrome. Also called: Neoplastic Syndromes, Hereditary; Tumor predisposition; Hereditary neoplastic syndrome; Hereditary Cancer Syndrome. Identifiers: Orphanet 140162, MedGen C0027672, MeSH D009386, MONDO:0015356.

Submission:

Ambry Genetics
Classification: Uncertain significance for Hereditary cancer-predisposing syndrome. Last evaluated: 2026-07-06. Review status: criteria provided, single submitter. Criteria: Ambry Variant Classification Scheme 2023. Collection method: clinical testing. Allele origin: germline.
Comment: The p.R68P variant (also known as c.203G>C), located in coding exon 1 of the AXIN2 gene, results from a G to C substitution at nucleotide position 203. The arginine at codon 68 is replaced by proline, an amino acid with dissimilar properties. This amino acid position is conserved. In addition, the in silico prediction for this alteration is inconclusive. Based on the available evidence, the clinical significance of this variant remains unclear.